The following is an entry in ClinVar:

NM_007262.5(PARK7):c.166G>A (p.Ala56Thr)

Gene: PARK7 (Parkinsonism associated deglycase; plus strand). Cytogenetic location: 1p36.23.
Variant type: single nucleotide variant.
Coding change: c.166G>A on transcript NM_007262.5 (MANE Select); coding-DNA position 166, G replaced by A.
Protein change: p.Ala56Thr; replaces alanine 56 with threonine.
Molecular consequence: missense variant.
Genome position (GRCh38, 1-based): chr1:7,965,399, G>A. VCF-style: chr1-7965399-G-A. GRCh37 (hg19) VCF-style: chr1-8025459-G-A.
Other names: c.166G>A, p.Ala56Thr (NM_001123377.2); short protein forms A56T.
Identifiers: ClinVar variation 703804 (VCV000703804.22), dbSNP rs114601558, ClinGen allele CA569451.

ClinVar aggregate classification (germline): Benign/Likely benign. Review status: criteria provided, multiple submitters, no conflicts (2 of 4 stars). 6 submissions from 6 submitters: Benign (1); Likely benign (5). Last evaluated 2025-09-02.

Conditions:
Autosomal recessive early-onset Parkinson disease 7. Identifiers: Orphanet 2828, MedGen C1853445, MONDO:0011658, OMIM 606324.

Allele frequency attached by ClinVar (database versions not stated): gnomAD exomes 0.00040 and 0.00109; ExAC 0.00136; 1000 Genomes Project 30x 0.00359; 1000 Genomes Project 0.00399; gnomAD 0.00414 and 0.00448; TOPMed 0.00470; ESP Exome Variant Server 0.00492.
gnomAD v4.1: 1,236 of 1,614,158 alleles (0.077%); highest among the groups gnomAD compares: African/African-American, 1.5%; 12 homozygotes.

Submissions (6):

Labcorp Genetics (formerly Invitae), Labcorp
Classification: Benign for Autosomal recessive early-onset Parkinson disease 7. Last evaluated: 2025-09-02. Review status: criteria provided, single submitter. Criteria: Invitae Variant Classification Sherloc (09022015). Collection method: clinical testing. Allele origin: germline.

CeGaT Center for Human Genetics Tuebingen
Classification: Likely benign. Last evaluated: 2025-08-01. Review status: criteria provided, single submitter. Criteria: CeGaT Center For Human Genetics Tuebingen Variant Classification Criteria Version 2. Collection method: clinical testing. Allele origin: germline. Affected: yes. Observed: 1 variant allele.
Comment: PARK7: BP4, BS1

Athena Diagnostics
Classification: Likely benign. Last evaluated: 2023-10-20. Review status: criteria provided, single submitter. Criteria: Athena Diagnostics Criteria. Collection method: clinical testing. Allele origin: unknown.

Fulgent Genetics
Classification: Likely benign for Autosomal recessive early-onset Parkinson disease 7. Last evaluated: 2021-10-07. Review status: criteria provided, single submitter. Criteria: ACMG Guidelines, 2015. Collection method: clinical testing. Allele origin: unknown.

GeneDx
Classification: Likely benign. Last evaluated: 2021-02-23. Review status: criteria provided, single submitter. Criteria: GeneDx Variant Classification Process June 2021. Collection method: clinical testing. Allele origin: germline. Affected: yes.

Breakthrough Genomics
Classification: Likely benign. Review status: criteria provided, single submitter. Criteria: ACMG Guidelines, 2015. Collection method: not provided. Allele origin: germline. Inheritance: Autosomal recessive inheritance. Affected: yes.

Literature cited by the submitters: PubMed 32019516 (cited by Athena Diagnostics).